The following is an entry in ClinVar:

NC_000015.9:g.(32404101_32446107)_(32462385_?)dup

Gene: CHRNA7 (cholinergic receptor nicotinic alpha 7 subunit). Cytogenetic location: 15q13.3.
Variant type: Duplication.
Identifiers: ClinVar variation 2581681 (VCV002581681.1).

ClinVar aggregate classification (germline): Uncertain significance (1 of 4 stars; one submission).

Submission:

Women's Health and Genetics/Laboratory Corporation of America, LabCorp
Classification: Uncertain significance. Last evaluated: 2023-08-14. Review status: criteria provided, single submitter. Criteria: LabCorp Variant Classification Summary - May 2015. Collection method: clinical testing. Allele origin: germline.
Comment: Variant summary: The variant identified by MLPA or other technology involves the duplication of exons 5-10 in the CHRNA7 gene, which are the last six exons of the gene. The exact breakpoint at the 3' end of this variant is unknown and therefore this duplication might extend downstream of the assayed region of this gene. A presumed nomenclature of c.(350+1_351-1)_(*1726_?)dup has been designated for the purposes of this classification. It has been assumed that this is a tandem duplication in direct orientation (Richardson_GIM_2018, Newman_AJHG_2015). Since the exact breakpoints of this duplication are not known, it is not possible to predict the protein level effect of this variant. The variant was absent in 21694 control chromosomes in the gnomAD database, structural variants dataset. . The available data on variant occurrences in the general population are insufficient to allow any conclusion about variant significance. To our knowledge, no occurrence of c.(350+1_351-1)_(*1726_?)dup in individuals affected with CHRNA7-Related Disorders and no experimental evidence demonstrating its impact on protein function have been reported. No submitters have cited clinical-significance assessments for this variant to ClinVar after 2014. In conclusion, while it may be assumed that duplication variants including a large DNA segment downstream of the gene might result in regular transcription- and translation termination with an unaffected protein product, however shorter tandem duplication variants involving the last exon may result in a frameshift or in-frame duplication change, and also can affect the 3' UTR end of the mRNA, which might be associated with disease. Since it is not possible to distinguish between these two outcomes in the context of this evaluation, the variant was classified as uncertain significance.